The following is an entry in ClinVar:

NM_001032283.3(TMPO):c.565+2256C>G

Gene: TMPO (thymopoietin; plus strand). Cytogenetic location: 12q23.1.
Variant type: single nucleotide variant.
Coding change: c.565+2256C>G on transcript NM_001032283.3 (MANE Select); 2256 bases into the intron after coding-DNA position 565, C replaced by G.
Molecular consequence: intron variant. On other transcripts: missense variant (1).
Genome position (GRCh38, 1-based): chr12:98,534,094, C>G. VCF-style: chr12-98534094-C-G. GRCh37 (hg19) VCF-style: chr12-98927872-C-G.
Other names: c.1837C>G, p.Gln613Glu (NM_003276.2); c.565+2256C>G (NM_001307975.2, NM_001032284.3); short protein forms Q613E.
Identifiers: ClinVar variation 3661542 (VCV003661542.2).

ClinVar aggregate classification (germline): Uncertain significance (1 of 4 stars; one submission).

Conditions:
Loeys-Dietz syndrome 2 (LDS2). Also called: TGFBR2-Related Loeys-Dietz Syndrome; Marfan Syndrome type 2; Marfan like connective tissue disorder; MFS 2; AORTIC ANEURYSM, FAMILIAL THORACIC 3; MARFAN SYNDROME, TYPE II. Identifiers: Orphanet 284973, Orphanet 558, MedGen C2674574, MONDO:0012427, OMIM 610168.

Submission:

Labcorp Genetics (formerly Invitae), Labcorp
Classification: Uncertain significance for Loeys-Dietz syndrome 2. Last evaluated: 2025-09-03. Review status: criteria provided, single submitter. Criteria: Invitae Variant Classification Sherloc (09022015). Collection method: clinical testing. Allele origin: germline.
Comment: This sequence change replaces glutamine, which is neutral and polar, with glutamic acid, which is acidic and polar, at codon 613 of the TMPO protein (p.Gln613Glu). This variant is not present in population databases (gnomAD no frequency). This variant has not been reported in the literature in individuals affected with TMPO-related conditions. ClinVar contains an entry for this variant (Variation ID: 3661542). Invitae Evidence Modeling of protein sequence and biophysical properties (such as structural, functional, and spatial information, amino acid conservation, physicochemical variation, residue mobility, and thermodynamic stability) indicates that this missense variant is not expected to disrupt TMPO protein function with a negative predictive value of 80%. In summary, the available evidence is currently insufficient to determine the role of this variant in disease. Therefore, it has been classified as a Variant of Uncertain Significance.